The following is an entry in ClinVar:

ClinVar aggregate classification (germline): Uncertain significance (1 of 4 stars; one submission).

Conditions:
Familial thoracic aortic aneurysm and aortic dissection (TAAD). Also called: Thoracic aortic aneurysms and dissections. Identifiers: Orphanet 91387, MedGen C4707243, MONDO:0019625.

gnomAD v4.1: 2 of 1,611,238 alleles (0.00012%); highest among the groups gnomAD compares: Non-Finnish European, 0.00017%; no homozygotes.

Submission:

Ambry Genetics
Classification: Uncertain significance for Familial thoracic aortic aneurysm and aortic dissection. Last evaluated: 2026-07-01. Review status: criteria provided, single submitter. Criteria: Ambry Variant Classification Scheme 2023. Collection method: clinical testing. Allele origin: germline.
Comment: The p.E922D variant (also known as c.2766G>C), located in coding exon 21 of the MYH11 gene, results from a G to C substitution at nucleotide position 2766. The glutamic acid at codon 922 is replaced by aspartic acid, an amino acid with highly similar properties. This amino acid position is conserved. In addition, the in silico prediction for this alteration is inconclusive. Based on the available evidence, the clinical significance of this variant remains unclear.

NM_002474.3(MYH11):c.2766G>C (p.Glu922Asp)

Gene: MYH11 (myosin heavy chain 11; minus strand). Cytogenetic location: 16p13.11.
Variant type: single nucleotide variant.
Coding change: c.2766G>C on transcript NM_002474.3 (MANE Select); coding-DNA position 2766, G replaced by C.
Protein change: p.Glu922Asp; replaces glutamic acid 922 with aspartic acid.
Molecular consequence: missense variant.
Genome position (GRCh38, 1-based): chr16:15,741,556, C>G on the plus strand (G>C on the coding strand, the complement: MYH11 is on the minus strand). VCF-style: chr16-15741556-C-G. GRCh37 (hg19) VCF-style: chr16-15835413-C-G.
Other names: c.2787G>C, p.Glu929Asp (NM_001040113.2, NM_001040114.2); c.2766G>C, p.Glu922Asp (NM_022844.3); short protein forms E929D, E922D.
Identifiers: ClinVar variation 5025060 (VCV005025060.1).